The following is an entry in ClinVar:

ClinVar aggregate classification (germline): Uncertain significance (1 of 4 stars; one submission).

Allele frequency attached by ClinVar (database versions not stated): ExAC 0.00002; gnomAD exomes 0.00002; gnomAD 0.00003; TOPMed 0.00003.
gnomAD v4.1: 36 of 1,587,592 alleles (0.0023%); highest among the groups gnomAD compares: African/African-American, 0.004%; no homozygotes.

Submission:

Labcorp Genetics (formerly Invitae), Labcorp
Classification: Uncertain significance. Last evaluated: 2022-03-23. Review status: criteria provided, single submitter. Criteria: Invitae Variant Classification Sherloc (09022015). Collection method: clinical testing. Allele origin: germline.
Comment: This variant is present in population databases (rs751475611, gnomAD 0.01%). This sequence change falls in intron 2 of the DCHS1 gene. It does not directly change the encoded amino acid sequence of the DCHS1 protein. It affects a nucleotide within the consensus splice site. This variant has not been reported in the literature in individuals affected with DCHS1-related conditions. Variants that disrupt the consensus splice site are a relatively common cause of aberrant splicing (PMID: 17576681, 9536098). Algorithms developed to predict the effect of sequence changes on RNA splicing suggest that this variant is not likely to affect RNA splicing. In summary, the available evidence is currently insufficient to determine the role of this variant in disease. Therefore, it has been classified as a Variant of Uncertain Significance.

Literature cited by the submitters: PubMed 17576681; PubMed 9536098.

NM_003737.4(DCHS1):c.1797+3G>C

Gene: DCHS1 (dachsous cadherin-related 1; minus strand). Cytogenetic location: 11p15.4.
Variant type: single nucleotide variant.
Coding change: c.1797+3G>C on transcript NM_003737.4 (MANE Select); 3 bases into the intron after coding-DNA position 1797, G replaced by C.
Molecular consequence: intron variant.
Genome position (GRCh38, 1-based): chr11:6,639,814, C>G on the plus strand (G>C on the coding strand, the complement: DCHS1 is on the minus strand). VCF-style: chr11-6639814-C-G. GRCh37 (hg19) VCF-style: chr11-6661045-C-G.
Identifiers: ClinVar variation 1992130 (VCV001992130.4), dbSNP rs751475611, ClinGen allele CA5860899.